The following is an entry in ClinVar:

NM_000257.4(MYH7):c.652G>A (p.Asp218Asn)

Gene: MYH7 (myosin heavy chain 7; minus strand). Cytogenetic location: 14q11.2.
Variant type: single nucleotide variant.
Coding change: c.652G>A on transcript NM_000257.4 (MANE Select); coding-DNA position 652, G replaced by A.
Protein change: p.Asp218Asn; replaces aspartic acid 218 with asparagine.
Molecular consequence: missense variant.
Genome position (GRCh38, 1-based): chr14:23,431,665, C>T on the plus strand (G>A on the coding strand, the complement: MYH7 is on the minus strand). VCF-style: chr14-23431665-C-T. GRCh37 (hg19) VCF-style: chr14-23900874-C-T.
Other names: c.652G>A, p.Asp218Asn (NM_001407004.1); short protein forms D218N.
Identifiers: ClinVar variation 3636057 (VCV003636057.2).

ClinVar aggregate classification (germline): Uncertain significance (1 of 4 stars; one submission).

Conditions:
Hypertrophic cardiomyopathy. Also called: HYPERTROPHIC MYOCARDIOPATHY. Identifiers: Orphanet 217569, MedGen C0007194, MeSH D002312, MONDO:0005045, HP:0001639.

Submission:

Labcorp Genetics (formerly Invitae), Labcorp
Classification: Uncertain significance for Hypertrophic cardiomyopathy. Last evaluated: 2025-01-23. Review status: criteria provided, single submitter. Criteria: Invitae Variant Classification Sherloc (09022015). Collection method: clinical testing. Allele origin: germline.
Comment: This sequence change replaces aspartic acid, which is acidic and polar, with asparagine, which is neutral and polar, at codon 218 of the MYH7 protein (p.Asp218Asn). This variant is not present in population databases (gnomAD no frequency). This missense change has been observed in individual(s) with clinical features of dilated cardiomyopathy (internal data). Invitae Evidence Modeling of protein sequence and biophysical properties (such as structural, functional, and spatial information, amino acid conservation, physicochemical variation, residue mobility, and thermodynamic stability) indicates that this missense variant is expected to disrupt MYH7 protein function with a positive predictive value of 95%. In summary, the available evidence is currently insufficient to determine the role of this variant in disease. Therefore, it has been classified as a Variant of Uncertain Significance.